The following is an entry in ClinVar:

NM_000435.3(NOTCH3):c.3965C>T (p.Pro1322Leu)

Gene: NOTCH3 (notch receptor 3; minus strand). Cytogenetic location: 19p13.12.
Variant type: single nucleotide variant.
Coding change: c.3965C>T on transcript NM_000435.3 (MANE Select); coding-DNA position 3965, C replaced by T.
Protein change: p.Pro1322Leu; replaces proline 1322 with leucine.
Molecular consequence: missense variant.
Genome position (GRCh38, 1-based): chr19:15,177,963, G>A on the plus strand (C>T on the coding strand, the complement: NOTCH3 is on the minus strand). VCF-style: chr19-15177963-G-A. GRCh37 (hg19) VCF-style: chr19-15288774-G-A.
Other names: short protein forms P1322L.
Identifiers: ClinVar variation 4737983 (VCV004737983.1).

ClinVar aggregate classification (germline): Uncertain significance (1 of 4 stars; one submission).

gnomAD v4.1: 4 of 1,345,174 alleles (0.0003%); highest among the groups gnomAD compares: Admixed American, 0.011%; no homozygotes.

Submission:

Labcorp Genetics (formerly Invitae), Labcorp
Classification: Uncertain significance. Last evaluated: 2025-11-17. Review status: criteria provided, single submitter. Criteria: Invitae Variant Classification Sherloc (09022015). Collection method: clinical testing. Allele origin: germline.
Comment: This sequence change replaces proline, which is neutral and non-polar, with leucine, which is neutral and non-polar, at codon 1322 of the NOTCH3 protein (p.Pro1322Leu). This variant is not present in population databases (gnomAD no frequency). This variant has not been reported in the literature in individuals affected with NOTCH3-related conditions. Invitae Evidence Modeling of protein sequence and biophysical properties (such as structural, functional, and spatial information, amino acid conservation, physicochemical variation, residue mobility, and thermodynamic stability) indicates that this missense variant is not expected to disrupt NOTCH3 protein function with a negative predictive value of 95%. In summary, the available evidence is currently insufficient to determine the role of this variant in disease. Therefore, it has been classified as a Variant of Uncertain Significance.